The following is an entry in ClinVar:

ClinVar aggregate classification (germline): Likely benign. Review status: criteria provided, multiple submitters, no conflicts (2 of 4 stars). 3 submissions from 3 submitters: Likely benign (3). Last evaluated 2026-01-05.

Conditions:
CNGB3-related disorder. Also called: CNGB3-related condition; CNGB3-related disorders. Identifiers: MedGen CN239340.

Allele frequency attached by ClinVar (database versions not stated): gnomAD exomes 0.00004 and 0.00017; ExAC 0.00005; gnomAD 0.00005; TOPMed 0.00005.
gnomAD v4.1: 255 of 1,614,008 alleles (0.016%); highest among the groups gnomAD compares: Non-Finnish European, 0.021%; no homozygotes.

Submissions (3):

Labcorp Genetics (formerly Invitae), Labcorp
Classification: Likely benign. Last evaluated: 2026-01-05. Review status: criteria provided, single submitter. Criteria: Invitae Variant Classification Sherloc (09022015). Collection method: clinical testing. Allele origin: germline.

PreventionGenetics, part of Exact Sciences
Classification: Likely benign for CNGB3-related condition. Last evaluated: 2025-03-19. Review status: criteria provided, single submitter. Criteria: ACMG Guidelines, 2015. Collection method: clinical testing. Allele origin: germline.
Comment: This variant is classified as likely benign based on ACMG/AMP sequence variant interpretation guidelines (Richards et al. 2015 PMID: 25741868, with internal and published modifications).

Blueprint Genetics
Classification: Likely benign. Last evaluated: 2024-07-01. Review status: criteria provided, single submitter. Criteria: ACMG Guidelines, 2015. Collection method: clinical testing. Allele origin: germline.

NM_019098.5(CNGB3):c.1800A>G (p.Gly600=)

Gene: CNGB3 (cyclic nucleotide gated channel subunit beta 3; minus strand). Cytogenetic location: 8q21.3.
Variant type: single nucleotide variant.
Coding change: c.1800A>G on transcript NM_019098.5 (MANE Select); coding-DNA position 1800, A replaced by G.
Protein change: p.Gly600=; no amino-acid change (glycine 600 retained).
Molecular consequence: synonymous variant.
Genome position (GRCh38, 1-based): chr8:86,579,234, T>C on the plus strand (A>G on the coding strand, the complement: CNGB3 is on the minus strand). VCF-style: chr8-86579234-T-C. GRCh37 (hg19) VCF-style: chr8-87591462-T-C.
Other names: c.1800A>G (NM_019098.4).
Identifiers: ClinVar variation 1157830 (VCV001157830.11), dbSNP rs779152246, ClinGen allele CA4799893.